The following is an entry in ClinVar:

NM_000021.4(PSEN1):c.550G>A (p.Glu184Lys)

Gene: PSEN1 (presenilin 1; plus strand). Cytogenetic location: 14q24.2.
Variant type: single nucleotide variant.
Coding change: c.550G>A on transcript NM_000021.4 (MANE Select); coding-DNA position 550, G replaced by A.
Protein change: p.Glu184Lys; replaces glutamic acid 184 with lysine.
Molecular consequence: missense variant.
Genome position (GRCh38, 1-based): chr14:73,192,645, G>A. VCF-style: chr14-73192645-G-A. GRCh37 (hg19) VCF-style: chr14-73659353-G-A.
Other names: c.538G>A, p.Glu180Lys (NM_007318.3); short protein forms E184K, E180K.
Identifiers: ClinVar variation 2101497 (VCV002101497.4), dbSNP rs2502939709, ClinGen allele CA390298856.

ClinVar aggregate classification (germline): Uncertain significance (1 of 4 stars; one submission).

Conditions:
Alzheimer disease 3 (AD3). Also called: ALZHEIMER DISEASE, FAMILIAL, 3. Identifiers: Orphanet 1020, MedGen C1843013, MONDO:0011913, OMIM 607822.
Frontotemporal dementia (FTD1). Also called: FRONTOTEMPORAL LOBAR DEGENERATION WITH TAU INCLUSIONS; FTLD WITH TAU INCLUSIONS; Frontotemporal lobe dementia (FLDEM); Dementia, frontotemporal, with or without parkinsonism; Frontotemporal Dementia with Parkinsonism-17 (FTDP-17); MULTIPLE SYSTEM TAUOPATHY WITH PRESENILE DEMENTIA. Identifiers: Orphanet 282, MedGen C0338451, MONDO:0017276, OMIM 600274, HP:0002145.
Pick disease. Also called: PICK DISEASE OF BRAIN; LOBAR ATROPHY OF BRAIN; Pick Disease of the Brain; DEMENTIA WITH LOBAR ATROPHY AND NEURONAL CYTOPLASMIC INCLUSIONS; Pick's disease. Identifiers: Orphanet 282, MedGen C0236642, MONDO:0008243, OMIM 172700.
Acne inversa, familial, 3 (ACNINV3). Identifiers: MedGen C3151038, MONDO:0013398, OMIM 613737.

Submission:

Labcorp Genetics (formerly Invitae), Labcorp
Classification: Uncertain significance for Alzheimer disease 3; Pick disease; Acne inversa, familial, 3; Frontotemporal dementia. Last evaluated: 2022-03-10. Review status: criteria provided, single submitter. Criteria: Invitae Variant Classification Sherloc (09022015). Collection method: clinical testing. Allele origin: germline.
Comment: In summary, the available evidence is currently insufficient to determine the role of this variant in disease. Therefore, it has been classified as a Variant of Uncertain Significance. This variant disrupts the p.Glu184 amino acid residue in PSEN1. Other variant(s) that disrupt this residue have been determined to be pathogenic (PMID: 9292884, 12552037, 28323683). This suggests that this residue is clinically significant, and that variants that disrupt this residue are likely to be disease-causing. Algorithms developed to predict the effect of missense changes on protein structure and function are either unavailable or do not agree on the potential impact of this missense change (SIFT: "Deleterious"; PolyPhen-2: "Benign"; Align-GVGD: "Class C55"). This missense change has been observed in individual(s) with early-onset Alzheimer disease (Invitae). This variant is not present in population databases (gnomAD no frequency). This sequence change replaces glutamic acid, which is acidic and polar, with lysine, which is basic and polar, at codon 184 of the PSEN1 protein (p.Glu184Lys).

Literature cited by the submitters: PubMed 9292884; PubMed 12552037; PubMed 28323683.